The following is an entry in ClinVar:

NM_002427.4(MMP13):c.403G>A (p.Glu135Lys)

Gene: MMP13 (matrix metallopeptidase 13; minus strand). Cytogenetic location: 11q22.2.
Variant type: single nucleotide variant.
Coding change: c.403G>A on transcript NM_002427.4 (MANE Select); coding-DNA position 403, G replaced by A.
Protein change: p.Glu135Lys; replaces glutamic acid 135 with lysine.
Molecular consequence: missense variant.
Genome position (GRCh38, 1-based): chr11:102,954,566, C>T on the plus strand (G>A on the coding strand, the complement: MMP13 is on the minus strand). VCF-style: chr11-102954566-C-T. GRCh37 (hg19) VCF-style: chr11-102825295-C-T.
Other names: short protein forms E135K.
Identifiers: ClinVar variation 1411001 (VCV001411001.8), dbSNP rs759134930, ClinGen allele CA6251994.

ClinVar aggregate classification (germline): Uncertain significance (1 of 4 stars; one submission).

Submission:

Labcorp Genetics (formerly Invitae), Labcorp
Classification: Uncertain significance. Last evaluated: 2021-03-24. Review status: criteria provided, single submitter. Criteria: Invitae Variant Classification Sherloc (09022015). Collection method: clinical testing. Allele origin: germline.
Comment: This sequence change replaces glutamic acid with lysine at codon 135 of the MMP13 protein (p.Glu135Lys). The glutamic acid residue is moderately conserved and there is a small physicochemical difference between glutamic acid and lysine. This variant is present in population databases (rs759134930, ExAC no frequency). This variant has not been reported in the literature in individuals with MMP13-related conditions. Algorithms developed to predict the effect of missense changes on protein structure and function (SIFT, PolyPhen-2, Align-GVGD) all suggest that this variant is likely to be tolerated, but these predictions have not been confirmed by published functional studies and their clinical significance is uncertain. In summary, the available evidence is currently insufficient to determine the role of this variant in disease. Therefore, it has been classified as a Variant of Uncertain Significance.